The following is an entry in ClinVar:

ClinVar aggregate classification (germline): Benign/Likely benign. Review status: criteria provided, multiple submitters, no conflicts (2 of 4 stars). 3 submissions from 3 submitters: Benign (1); Likely benign (2). Last evaluated 2024-08-27.

Conditions:
Familial cancer of breast. Also called: hereditary breast carcinoma; BREAST CANCER, FAMILIAL; Hereditary breast cancer. Identifiers: Orphanet 227535, MedGen C0346153, MONDO:0016419, OMIM 114480. Disease mechanism: loss of function.
Fanconi anemia complementation group J. Also called: BRIP1-Related Fanconi Anemia. Identifiers: Orphanet 84, MedGen C1836860, MONDO:0012187, OMIM 609054.
Hereditary cancer-predisposing syndrome. Also called: Tumor predisposition; Neoplastic Syndromes, Hereditary; Hereditary Cancer Syndrome; Hereditary neoplastic syndrome. Identifiers: Orphanet 140162, MedGen C0027672, MeSH D009386, MONDO:0015356.

Submissions (3):

Myriad Genetics, Inc.
Classification: Benign for Familial cancer of breast. Last evaluated: 2024-08-27. Review status: criteria provided, single submitter. Criteria: Myriad Autosomal Dominant, Autosomal Recessive and X-Linked Classification Criteria (2023). Collection method: clinical testing. Allele origin: unknown.
Comment: This variant is considered benign. This variant is a silent/synonymous amino acid change and it is not expected to impact splicing.

Labcorp Genetics (formerly Invitae), Labcorp
Classification: Likely benign for Familial cancer of breast; Fanconi anemia complementation group J. Last evaluated: 2024-04-01. Review status: criteria provided, single submitter. Criteria: Invitae Variant Classification Sherloc (09022015). Collection method: clinical testing. Allele origin: germline.

Ambry Genetics
Classification: Likely benign for Hereditary cancer-predisposing syndrome. Last evaluated: 2016-06-30. Review status: criteria provided, single submitter. Criteria: Ambry Variant Classification Scheme 2023. Collection method: clinical testing. Allele origin: germline.

NM_032043.3(BRIP1):c.1329T>C (p.Cys443=)

Gene: BRIP1 (BRCA1 interacting DNA helicase 1; minus strand). Cytogenetic location: 17q23.2.
Variant type: single nucleotide variant.
Coding change: c.1329T>C on transcript NM_032043.3 (MANE Select); coding-DNA position 1329, T replaced by C.
Protein change: p.Cys443=; no amino-acid change (cysteine 443 retained).
Molecular consequence: synonymous variant.
Genome position (GRCh38, 1-based): chr17:61,799,111, A>G on the plus strand (T>C on the coding strand, the complement: BRIP1 is on the minus strand). VCF-style: chr17-61799111-A-G. GRCh37 (hg19) VCF-style: chr17-59876472-A-G.
Identifiers: ClinVar variation 1057414 (VCV001057414.13), dbSNP rs2145299845, ClinGen allele CA501151455.
Genomic context (GRCh38, chr17:61,799,111, plus strand): 5'-TTTTTCATATAAAGGCAGCACAAATACACTAATAGACAAATCTTCTTACTTAATGAGGCT[A>G]CAGCACACAGCTCGTAGGGGTTCATGATCTTTCTTCCTTATATTATTGTTGACCATACTA-3'
Protein context (NP_114432.2, residues 433-453): KDHEPLRAVC[Cys443=]SLINWLEANA